The following is an entry in ClinVar:

NM_003151.4(STAT4):c.763C>T (p.Leu255Phe)

Gene: STAT4 (signal transducer and activator of transcription 4; minus strand). Cytogenetic location: 2q32.2.
Variant type: single nucleotide variant.
Coding change: c.763C>T on transcript NM_003151.4 (MANE Select); coding-DNA position 763, C replaced by T.
Protein change: p.Leu255Phe; replaces leucine 255 with phenylalanine.
Molecular consequence: missense variant.
Genome position (GRCh38, 1-based): chr2:191,064,826, G>A on the plus strand (C>T on the coding strand, the complement: STAT4 is on the minus strand). VCF-style: chr2-191064826-G-A. GRCh37 (hg19) VCF-style: chr2-191929552-G-A.
Other names: c.763C>T, p.Leu255Phe (NM_001243835.2); short protein forms L255F.
Identifiers: ClinVar variation 2896213 (VCV002896213.3), dbSNP rs2470774034, ClinGen allele CA349916930.
Genomic context (GRCh38, chr2:191,064,826, plus strand): 5'-TCCTGTGGTTTTCACTAGAAACTGCAGTCGATTCGTTTTACCAGTTCTGAAGCTGGTCGA[G>A]CCCATTGTGGAGTGGACCCCCGATGCAGGCGATTTGCTGCCGCCGCTTCCAGTCTTGCAG-3'
Protein context (NP_003142.1, residues 245-265): ACIGGPLHNG[Leu255Phe]DQLQNCFTLL

ClinVar aggregate classification (germline): Uncertain significance (1 of 4 stars; one submission).

Allele frequency attached by ClinVar (database versions not stated): gnomAD exomes below 0.00001.
gnomAD v4.1: 4 of 1,612,318 alleles (0.00025%); highest among the groups gnomAD compares: Non-Finnish European, 0.00034%; no homozygotes.

Submission:

Labcorp Genetics (formerly Invitae), Labcorp
Classification: Uncertain significance. Last evaluated: 2023-11-21. Review status: criteria provided, single submitter. Criteria: Invitae Variant Classification Sherloc (09022015). Collection method: clinical testing. Allele origin: germline.
Comment: This sequence change replaces leucine, which is neutral and non-polar, with phenylalanine, which is neutral and non-polar, at codon 255 of the STAT4 protein (p.Leu255Phe). This variant is not present in population databases (gnomAD no frequency). This variant has not been reported in the literature in individuals affected with STAT4-related conditions. Advanced modeling of protein sequence and biophysical properties (such as structural, functional, and spatial information, amino acid conservation, physicochemical variation, residue mobility, and thermodynamic stability) performed at Invitae indicates that this missense variant is expected to disrupt STAT4 protein function with a positive predictive value of 80%. In summary, the available evidence is currently insufficient to determine the role of this variant in disease. Therefore, it has been classified as a Variant of Uncertain Significance.